The following is an entry in ClinVar:

ClinVar aggregate classification (germline): Uncertain significance (1 of 4 stars; one submission).

gnomAD v4.1: 2 of 1,552,088 alleles (0.00013%); highest among the groups gnomAD compares: Non-Finnish European, 0.00017%; no homozygotes.

Submission:

Labcorp Genetics (formerly Invitae), Labcorp
Classification: Uncertain significance. Last evaluated: 2022-02-04. Review status: criteria provided, single submitter. Criteria: Invitae Variant Classification Sherloc (09022015). Collection method: clinical testing. Allele origin: germline.
Comment: This variant has not been reported in the literature in individuals affected with MYO7A-related conditions. In summary, the available evidence is currently insufficient to determine the role of this variant in disease. Therefore, it has been classified as a Variant of Uncertain Significance. Advanced modeling of protein sequence and biophysical properties (such as structural, functional, and spatial information, amino acid conservation, physicochemical variation, residue mobility, and thermodynamic stability) performed at Invitae indicates that this missense variant is expected to disrupt MYO7A protein function. This variant is not present in population databases (gnomAD no frequency). This sequence change replaces leucine, which is neutral and non-polar, with phenylalanine, which is neutral and non-polar, at codon 509 of the MYO7A protein (p.Leu509Phe).

NM_000260.4(MYO7A):c.1525C>T (p.Leu509Phe)

Gene: MYO7A (myosin VIIA; plus strand). Cytogenetic location: 11q13.5.
Variant type: single nucleotide variant.
Coding change: c.1525C>T on transcript NM_000260.4 (MANE Select); coding-DNA position 1525, C replaced by T.
Protein change: p.Leu509Phe; replaces leucine 509 with phenylalanine.
Molecular consequence: missense variant.
Genome position (GRCh38, 1-based): chr11:77,162,301, C>T. VCF-style: chr11-77162301-C-T. GRCh37 (hg19) VCF-style: chr11-76873347-C-T.
Other names: c.1525C>T, p.Leu509Phe (NM_001127180.2); c.1492C>T, p.Leu498Phe (NM_001369365.1); short protein forms L498F, L509F.
Identifiers: ClinVar variation 1905172 (VCV001905172.5), dbSNP rs2496872380, ClinGen allele CA381935743.